The following is an entry in ClinVar:

NM_005359.6(SMAD4):c.668-18G>T

Gene: SMAD4 (SMAD family member 4; plus strand). Cytogenetic location: 18q21.2.
Variant type: single nucleotide variant.
Coding change: c.668-18G>T on transcript NM_005359.6 (MANE Select); 18 bases into the intron before coding-DNA position 668, G replaced by T.
Molecular consequence: intron variant.
Genome position (GRCh38, 1-based): chr18:51,058,107, G>T. VCF-style: chr18-51058107-G-T. GRCh37 (hg19) VCF-style: chr18-48584477-G-T.
Identifiers: ClinVar variation 927443 (VCV000927443.4), dbSNP rs1909889460, ClinGen allele CA913188931.

ClinVar aggregate classification (germline): Likely benign. Review status: criteria provided, multiple submitters, no conflicts (2 of 4 stars). 3 submissions from 3 submitters: Likely benign (3). Last evaluated 2025-05-02.

Conditions:
Juvenile polyposis syndrome (JPS). Identifiers: Orphanet 2929, MedGen C0345893, MONDO:0017380, OMIM 174900.
Hereditary cancer-predisposing syndrome. Also called: Neoplastic Syndromes, Hereditary; Hereditary neoplastic syndrome; Tumor predisposition; Hereditary Cancer Syndrome. Identifiers: Orphanet 140162, MedGen C0027672, MeSH D009386, MONDO:0015356.
Juvenile polyposis/hereditary hemorrhagic telangiectasia syndrome (JPHT). Also called: POLYPOSIS, GENERALIZED JUVENILE, WITH PULMONARY ARTERIOVENOUS MALFORMATION; TELANGIECTASIA, HEREDITARY HEMORRHAGIC, WITH JUVENILE POLYPOSIS COLI; Juvenile Polyposis Syndrome / Hereditary Hemorrhagic Telangiectasia (JPS/HHT); JP/HHT SYNDROME; JUVENILE POLYPOSIS WITH HEREDITARY HEMORRHAGIC TELANGIECTASIA. Identifiers: Orphanet 2929, MedGen C1832942, MONDO:0008278, OMIM 175050.

Submissions (3):

Labcorp Genetics (formerly Invitae), Labcorp
Classification: Likely benign for Juvenile polyposis syndrome. Last evaluated: 2025-05-02. Review status: criteria provided, single submitter. Criteria: Invitae Variant Classification Sherloc (09022015). Collection method: clinical testing. Allele origin: germline.

Myriad Genetics, Inc.
Classification: Likely benign for Juvenile polyposis/hereditary hemorrhagic telangiectasia syndrome. Last evaluated: 2025-03-19. Review status: criteria provided, single submitter. Criteria: Myriad Autosomal Dominant, Autosomal Recessive and X-Linked Classification Criteria (2023). Collection method: clinical testing. Allele origin: unknown.
Comment: This variant is considered likely benign. This variant is intronic and is not expected to impact mRNA splicing.

Color Diagnostics, LLC DBA Color Health
Classification: Likely benign for Hereditary cancer-predisposing syndrome. Last evaluated: 2018-12-03. Review status: criteria provided, single submitter. Criteria: ACMG Guidelines, 2015. Collection method: clinical testing. Allele origin: germline.